The following is an entry in ClinVar:

ClinVar aggregate classification (germline): Likely benign (1 of 4 stars; one submission).

Allele frequency attached by ClinVar (database versions not stated): gnomAD exomes below 0.00001; TOPMed 0.00001.
gnomAD v4.1: 1 of 1,596,566 alleles (0.000063%); highest among the groups gnomAD compares: South Asian, 0.0011%; no homozygotes.

Submission:

GeneDx
Classification: Likely benign. Last evaluated: 2018-04-12. Review status: criteria provided, single submitter. Criteria: GeneDx Variant Classification (06012015). Collection method: clinical testing. Allele origin: germline. Affected: yes.
Comment: This variant is considered likely benign or benign based on one or more of the following criteria: it is a conservative change, it occurs at a poorly conserved position in the protein, it is predicted to be benign by multiple in silico algorithms, and/or has population frequency not consistent with disease.

NM_144573.4(NEXN):c.483A>C (p.Ala161=)

Gene: NEXN (nexilin F-actin binding protein; plus strand). Cytogenetic location: 1p31.1.
Variant type: single nucleotide variant.
Coding change: c.483A>C on transcript NM_144573.4 (MANE Select); coding-DNA position 483, A replaced by C.
Protein change: p.Ala161=; no amino-acid change (alanine 161 retained).
Molecular consequence: synonymous variant.
Genome position (GRCh38, 1-based): chr1:77,925,223, A>C. VCF-style: chr1-77925223-A-C. GRCh37 (hg19) VCF-style: chr1-78390908-A-C.
Other names: c.291A>C, p.Ala97= (NM_001172309.2).
Identifiers: ClinVar variation 682221 (VCV000682221.1), dbSNP rs1290445861, ClinGen allele CA418571773.